The following is an entry in ClinVar:

NM_001042492.3(NF1):c.7291_7295del (p.Val2431fs)

Gene: NF1 (neurofibromin 1; plus strand). Cytogenetic location: 17q11.2.
Variant type: Deletion.
Coding change: c.7291_7295del on transcript NM_001042492.3 (MANE Select); coding-DNA positions 7291 to 7295, 5 bases deleted (GTGAA; older notation c.7291_7295delGTGAA).
Protein change: p.Val2431fs; shifts the reading frame from valine 2431.
Molecular consequence: frameshift variant.
Genome position (GRCh38, 1-based): chr17:31,349,221-31,349,225, GTGAA deleted; deleting any 5 consecutive bases within chr17:31,349,217-31,349,225 gives the same sequence; the c. name uses the placement nearest the transcript's 3' end. VCF-style (leftmost placement, unchanged base first): chr17-31349216-TTGAAG-T. GRCh37 (hg19) VCF-style: chr17-29676234-TTGAAG-T.
Other names: c.7228_7232delGTGAA, p.Val2410Tyrfs (NM_000267.4); short protein forms V2410fs, V2431fs.
Identifiers: ClinVar variation 2013473 (VCV002013473.4), dbSNP rs2508801516, ClinGen allele CA2580093340.
Genomic context (GRCh38, chr17:31,349,216, plus strand): 5'-CAGTCAGAATTTTACATACACTACTAACTCTGGTTAACAAACACAGAAATTGTGACAAAT[TTGAAG>T]TGAATACACAGAGCGTGGCCTACTTAGCAGGTAAAAACACAAAATAAACAAAATTAATCT-3'

ClinVar aggregate classification (germline): Pathogenic (1 of 4 stars; one submission).

Conditions:
Neurofibromatosis, type 1 (NF1). Also called: Neurofibromatosis, type I; Peripheral type neurofibromatosis; VON RECKLINGHAUSEN DISEASE; NEUROFIBROMATOSIS, TYPE I, SOMATIC. Identifiers: Orphanet 636, MedGen C0027831, MONDO:0018975, OMIM 162200. Disease mechanism: loss of function.

Submission:

Labcorp Genetics (formerly Invitae), Labcorp
Classification: Pathogenic for Neurofibromatosis, type 1. Last evaluated: 2022-07-03. Review status: criteria provided, single submitter. Criteria: Invitae Variant Classification Sherloc (09022015). Collection method: clinical testing. Allele origin: germline.
Comment: For these reasons, this variant has been classified as Pathogenic. This variant has not been reported in the literature in individuals affected with NF1-related conditions. This variant is not present in population databases (gnomAD no frequency). This sequence change creates a premature translational stop signal (p.Val2410Tyrfs*15) in the NF1 gene. It is expected to result in an absent or disrupted protein product. Loss-of-function variants in NF1 are known to be pathogenic (PMID: 10712197, 23913538).

Literature cited by the submitters: PubMed 10712197; PubMed 23913538.